The following is an entry in ClinVar:

NM_001754.5(RUNX1):c.123G>C (p.Thr41=)

Gene: RUNX1 (RUNX family transcription factor 1; minus strand). Cytogenetic location: 21q22.12.
Variant type: single nucleotide variant.
Coding change: c.123G>C on transcript NM_001754.5 (MANE Select); coding-DNA position 123, G replaced by C.
Protein change: p.Thr41=; no amino-acid change (threonine 41 retained).
Molecular consequence: synonymous variant.
Genome position (GRCh38, 1-based): chr21:34,887,071, C>G on the plus strand (G>C on the coding strand, the complement: RUNX1 is on the minus strand). VCF-style: chr21-34887071-C-G. GRCh37 (hg19) VCF-style: chr21-36259368-C-G.
Other names: NM_001754.5(RUNX1):c.123G>C; p.Thr41=; c.42G>C, p.Thr14= (NM_001001890.3, NM_001122607.2).
Identifiers: ClinVar variation 2035147 (VCV002035147.9), dbSNP rs2146414160, ClinGen allele CA512318986.

ClinVar aggregate classification (germline): Likely benign. Review status: reviewed by expert panel (3 of 4 stars). 3 submissions from 3 submitters: Likely benign (1). 2 of the submissions do not count toward it. Last evaluated 2026-05-04.

Conditions:
Inborn genetic diseases. Identifiers: MedGen C0950123, MeSH D030342.
Hereditary thrombocytopenia and hematologic cancer predisposition syndrome. Identifiers: Orphanet 71290, MedGen CN281654, MONDO:0011071.
Hereditary thrombocytopenia and hematological cancer predisposition syndrome associated with RUNX1. Also called: PLATELET DISORDER, ASPIRIN-LIKE; Familial Platelet Disorder with Propensity to Acute Myelogenous Leukemia; Familial thrombocytopenia with propensity to acute myelogenous leukemia; RUNX1 Familial Platelet Disorder with Associated Myeloid Malignancies. Identifiers: Orphanet 71290, MedGen C1832388, MeSH C563324, MONDO:0100083, OMIM 601399.

Submissions (3):

ClinGen Myeloid Malignancy Variant Curation Expert Panel
Classification: Likely benign for Hereditary thrombocytopenia and hematologic cancer predisposition syndrome. Last evaluated: 2026-05-04. Review status: reviewed by expert panel. Criteria: ClinGen MyeloMalig ACMG Specifications V3.1. Collection method: curation. Allele origin: germline. Inheritance: Autosomal dominant inheritance.
Comment: NM_001754.5(RUNX1):c.123G>C (p.Thr41=) is a synonymous variant which has a SpliceAI score ≤ 0.20 (0.01) (BP4, BP7). This variant is completely absent from all population databases with at least 20x coverage for RUNX1 (PM2_supporting). In summary, this variant meets criteria to be classified as likely benign. ACMG/AMP criteria applied, as specified by the Myeloid Malignancy Variant Curation Expert Panel for RUNX1: BP4, BP7, PM2_supporting.

Ambry Genetics
Classification: Likely benign for Inborn genetic diseases. Last evaluated: 2026-03-20. Review status: criteria provided, single submitter. Criteria: Ambry Variant Classification Scheme 2023. Collection method: clinical testing. Allele origin: germline. Not counted in ClinVar's aggregate classification.

Labcorp Genetics (formerly Invitae), Labcorp
Classification: Likely benign for Hereditary thrombocytopenia and hematological cancer predisposition syndrome associated with RUNX1. Last evaluated: 2022-10-11. Review status: criteria provided, single submitter. Criteria: Invitae Variant Classification Sherloc (09022015). Collection method: clinical testing. Allele origin: germline. Not counted in ClinVar's aggregate classification.